The following is an entry in ClinVar:

ClinVar aggregate classification (germline): Uncertain significance (1 of 4 stars; one submission).

Conditions:
Early Myoclonic Encephalopathy. Identifiers: MedGen C0270855.

Allele frequency attached by ClinVar (database versions not stated): TOPMed 0.00001.

Submission:

Labcorp Genetics (formerly Invitae), Labcorp
Classification: Uncertain significance for Early Myoclonic Encephalopathy. Last evaluated: 2022-04-22. Review status: criteria provided, single submitter. Criteria: Invitae Variant Classification Sherloc (09022015). Collection method: clinical testing. Allele origin: germline.
Comment: In summary, the available evidence is currently insufficient to determine the role of this variant in disease. Therefore, it has been classified as a Variant of Uncertain Significance. Advanced modeling of protein sequence and biophysical properties (such as structural, functional, and spatial information, amino acid conservation, physicochemical variation, residue mobility, and thermodynamic stability) performed at Invitae indicates that this missense variant is not expected to disrupt KCND2 protein function. ClinVar contains an entry for this variant (Variation ID: 1019522). This variant has not been reported in the literature in individuals affected with KCND2-related conditions. This variant is not present in population databases (gnomAD no frequency). This sequence change replaces threonine, which is neutral and polar, with alanine, which is neutral and non-polar, at codon 602 of the KCND2 protein (p.Thr602Ala).

NM_012281.3(KCND2):c.1804A>G (p.Thr602Ala)

Gene: KCND2 (potassium voltage-gated channel subfamily D member 2; plus strand). Cytogenetic location: 7q31.31.
Variant type: single nucleotide variant.
Coding change: c.1804A>G on transcript NM_012281.3 (MANE Select); coding-DNA position 1804, A replaced by G.
Protein change: p.Thr602Ala; replaces threonine 602 with alanine.
Molecular consequence: missense variant.
Genome position (GRCh38, 1-based): chr7:120,747,769, A>G. VCF-style: chr7-120747769-A-G. GRCh37 (hg19) VCF-style: chr7-120387823-A-G.
Other names: short protein forms T602A.
Identifiers: ClinVar variation 1019522 (VCV001019522.8), dbSNP rs1793025124, ClinGen allele CA369136677.
Genomic context (GRCh38, chr7:120,747,769, plus strand): 5'-GAGTGTGTTAAACTAAACTGTGAACAACCTTATGTGACTACAGCAATAATAAGCATCCCA[A>G]CACCTCCAGTAACCACACCAGAAGGAGACGATAGGCCAGAATCCCCTGAGTACTCAGGAG-3'
Protein context (NP_036413.1, residues 592-612): YVTTAIISIP[Thr602Ala]PPVTTPEGDD